The following is an entry in ClinVar:

ClinVar aggregate classification (germline): Uncertain significance. Review status: criteria provided, multiple submitters, no conflicts (2 of 4 stars). 3 submissions from 3 submitters: Uncertain significance (3). Last evaluated 2025-09-13.

Submissions (3):

Labcorp Genetics (formerly Invitae), Labcorp
Classification: Uncertain significance. Last evaluated: 2025-09-13. Review status: criteria provided, single submitter. Criteria: Invitae Variant Classification Sherloc (09022015). Collection method: clinical testing. Allele origin: germline.
Comment: This sequence change affects the initiator codon of the GALNT12 mRNA. This change may impact translation initiation or efficiency. The next in-frame methionine is located at codon 65. This variant is not present in population databases (gnomAD no frequency). Disruption of the initiator codon has been observed in individual(s) with breast and colon cancer (PMID: 19617566, 36315513). ClinVar contains an entry for this variant (Variation ID: 1403848). Algorithms developed to predict the effect of variants on gene product structure and function are not available or were not evaluated for this variant. Experimental studies have shown that disruption of the initiator codon affects GALNT12 function (PMID: 19617566). In summary, the available evidence is currently insufficient to determine the role of this variant in disease. Therefore, it has been classified as a Variant of Uncertain Significance.

Quest Diagnostics Nichols Institute San Juan Capistrano
Classification: Uncertain significance. Last evaluated: 2025-08-28. Review status: criteria provided, single submitter. Criteria: Quest Diagnostics criteria. Collection method: clinical testing. Allele origin: unknown.
Comment: The GALNT12 c.1A>G variant disrupts the translation initiation codon of the GALNT12 mRNA and is predicted to interfere with GALNT12 protein synthesis. The next available in-frame methionine is located at codon 65. In the published literature, another variant (GALNT12 c.3G>A) resulting in the loss of same initiation codon has been reported in an individual with colon cancer as well as breast cancer, and showed a marked loss of functional activity (PMID: 19617566 (2009)).The frequency of this variant in the general population (Genome Aggregation Database) is uninformative in the assessment of its pathogenicity. Based on the available information, we are unable to determine the clinical significance of this variant.

Ambry Genetics
Classification: Uncertain significance. Last evaluated: 2023-07-31. Review status: criteria provided, single submitter. Criteria: Ambry Variant Classification Scheme 2023. Collection method: clinical testing. Allele origin: germline.
Comment: The p.M1? variant (also known as c.1A>G), located in coding exon 1 of the GALNT12 gene and results from an A to G substitution at nucleotide position 1. This alters the methionine residue at the initiation codon. Sequence variations that modify the initiation codon are expected to result in either loss of translation initiation, N-terminal truncation, or cause a shift in the mRNA reading frame. The evidence for this gene-disease relationship is limited; therefore, the clinical significance of this alteration is unclear.

Literature cited by the submitters: PubMed 19617566 (cited by Labcorp Genetics (formerly Invitae), Labcorp and Ambry Genetics); PubMed 36315513 (cited by Labcorp Genetics (formerly Invitae), Labcorp); PubMed 24038392 (cited by Ambry Genetics).

NM_024642.5(GALNT12):c.1A>G (p.Met1Val)

Gene: GALNT12 (polypeptide N-acetylgalactosaminyltransferase 12; plus strand). Cytogenetic location: 9q22.33.
Variant type: single nucleotide variant.
Coding change: c.1A>G on transcript NM_024642.5 (MANE Select); coding-DNA position 1, A replaced by G.
Protein change: p.Met1Val; changes the start codon (methionine 1).
Molecular consequence: missense variant, initiator codon variant.
Genome position (GRCh38, 1-based): chr9:98,807,699, A>G. VCF-style: chr9-98807699-A-G. GRCh37 (hg19) VCF-style: chr9-101569981-A-G.
Other names: short protein forms M1V.
Identifiers: ClinVar variation 1403848 (VCV001403848.12), dbSNP rs1259048855, ClinGen allele CA374221964.